The following is an entry in ClinVar:

NM_012414.4(RAB3GAP2):c.1151G>C (p.Arg384Thr)

Gene: RAB3GAP2 (RAB3 GTPase activating non-catalytic protein subunit 2; minus strand). Cytogenetic location: 1q41.
Variant type: single nucleotide variant.
Coding change: c.1151G>C on transcript NM_012414.4 (MANE Select); coding-DNA position 1151, G replaced by C.
Protein change: p.Arg384Thr; replaces arginine 384 with threonine.
Molecular consequence: missense variant.
Genome position (GRCh38, 1-based): chr1:220,193,359, C>G on the plus strand (G>C on the coding strand, the complement: RAB3GAP2 is on the minus strand). VCF-style: chr1-220193359-C-G. GRCh37 (hg19) VCF-style: chr1-220366701-C-G.
Other names: short protein forms R384T.
Identifiers: ClinVar variation 2004381 (VCV002004381.4), dbSNP rs2528685299, ClinGen allele CA344646067.
Genomic context (GRCh38, chr1:220,193,359, plus strand): 5'-TCATCTGTTACTGCTGCCAGTGTGTTACATGGAGACAGACATATGCTTTCACCATGGCGT[C>G]TAGAATCTGGAAGTCCAAATCTGATATTTAAAAGAAAATAAAATGCTCAAATCACATTCC-3'
Protein context (NP_036546.2, residues 374-394): LAVRFGLPDS[Arg384Thr]RHGESICLSP

ClinVar aggregate classification (germline): Uncertain significance (1 of 4 stars; one submission).

Conditions:
Warburg micro syndrome 2 (WARBM2). Also called: MICRO SYNDROME 2. Identifiers: Orphanet 2510, MedGen C3280214, MONDO:0013641, OMIM 614225.
Martsolf syndrome (MARTS). Also called: Congenital cataract with intellectual disability and hypogonadotropic hypogonadism syndrome. Identifiers: Orphanet 1387, MedGen C0796037, MONDO:0023910.

Submission:

Labcorp Genetics (formerly Invitae), Labcorp
Classification: Uncertain significance for Martsolf syndrome; Warburg micro syndrome 2. Last evaluated: 2023-08-04. Review status: criteria provided, single submitter. Criteria: Invitae Variant Classification Sherloc (09022015). Collection method: clinical testing. Allele origin: germline.
Comment: Advanced modeling of protein sequence and biophysical properties (such as structural, functional, and spatial information, amino acid conservation, physicochemical variation, residue mobility, and thermodynamic stability) has been performed at Invitae for this missense variant, however the output from this modeling did not meet the statistical confidence thresholds required to predict the impact of this variant on RAB3GAP2 protein function. In summary, the available evidence is currently insufficient to determine the role of this variant in disease. Therefore, it has been classified as a Variant of Uncertain Significance. ClinVar contains an entry for this variant (Variation ID: 2004381). This variant has not been reported in the literature in individuals affected with RAB3GAP2-related conditions. This variant is not present in population databases (gnomAD no frequency). This sequence change replaces arginine, which is basic and polar, with threonine, which is neutral and polar, at codon 384 of the RAB3GAP2 protein (p.Arg384Thr).